The following is an entry in ClinVar:

NM_000203.5(IDUA):c.903C>G (p.Asp301Glu)

Gene: IDUA (alpha-L-iduronidase; plus strand). Cytogenetic location: 4p16.3.
Variant type: single nucleotide variant.
Coding change: c.903C>G on transcript NM_000203.5 (MANE Select); coding-DNA position 903, C replaced by G.
Protein change: p.Asp301Glu; replaces aspartic acid 301 with glutamic acid.
Molecular consequence: missense variant. On other transcripts: non-coding transcript variant (1).
Genome position (GRCh38, 1-based): chr4:1,002,092, C>G. VCF-style: chr4-1002092-C-G. GRCh37 (hg19) VCF-style: chr4-995880-C-G.
Other names: c.507C>G, p.Asp169Glu (NM_001363576.1); short protein forms D169E, D301E.
Identifiers: ClinVar variation 1458511 (VCV001458511.10), dbSNP rs759390416, ClinGen allele CA355962528.

ClinVar aggregate classification (germline): Pathogenic. Review status: criteria provided, multiple submitters, no conflicts (2 of 4 stars). 2 submissions from 2 submitters: Pathogenic (2). Last evaluated 2024-10-23.

Conditions:
Mucopolysaccharidosis type 1. Also called: IDUA deficiency; MPS I; Mucopolysaccharidosis Type I. Identifiers: Orphanet 579, MedGen C0023786, MONDO:0001586.

Submissions (2):

Women's Health and Genetics/Laboratory Corporation of America, LabCorp
Classification: Pathogenic for Mucopolysaccharidosis type 1. Last evaluated: 2024-10-23. Review status: criteria provided, single submitter. Criteria: LabCorp Variant Classification Summary - May 2015. Collection method: clinical testing. Allele origin: germline.
Comment: Variant summary: IDUA c.903C>G (p.Asp301Glu) results in a conservative amino acid change located in the Glycosyl hydrolases family 39, N-terminal catalytic domain (IPR049166) of the encoded protein sequence. Three of four in-silico tools predict a damaging effect of the variant on protein function. The variant was absent in 186460 control chromosomes (gnomAD). c.903C>G has been reported in the literature in multiple individuals affected with Mucopolysaccharidosis Type 1 (examples: Clarke_2019, Kamranjam_2019, Shafaat_2019, Taghikhani_2019). These data indicate that the variant is very likely to be associated with disease. The following publications have been ascertained in the context of this evaluation (PMID: 31194252, 31298590, 31236806, 31386236). ClinVar contains an entry for this variant (Variation ID: 1458511). Based on the evidence outlined above, the variant was classified as pathogenic.

Labcorp Genetics (formerly Invitae), Labcorp
Classification: Pathogenic for Mucopolysaccharidosis type 1. Last evaluated: 2020-12-10. Review status: criteria provided, single submitter. Criteria: Invitae Variant Classification Sherloc (09022015). Collection method: clinical testing. Allele origin: germline.
Comment: For these reasons, this variant has been classified as Pathogenic. Advanced modeling of protein sequence and biophysical properties (such as structural, functional, and spatial information, amino acid conservation, physicochemical variation, residue mobility, and thermodynamic stability) performed at Invitae indicates that this missense variant is expected to disrupt IDUA protein function. This variant has been observed in individual(s) with mucopolysaccharidosis type I (PMID: 31194252, 31298590, 31236806). This variant is not present in population databases (ExAC no frequency). This sequence change replaces aspartic acid with glutamic acid at codon 301 of the IDUA protein (p.Asp301Glu). The aspartic acid residue is highly conserved and there is a small physicochemical difference between aspartic acid and glutamic acid.

Literature cited by the submitters: PubMed 31194252 (cited by Women's Health and Genetics/Laboratory Corporation of America, LabCorp and Labcorp Genetics (formerly Invitae), Labcorp); PubMed 31386236 (cited by Women's Health and Genetics/Laboratory Corporation of America, LabCorp); PubMed 31298590 (cited by Women's Health and Genetics/Laboratory Corporation of America, LabCorp and Labcorp Genetics (formerly Invitae), Labcorp); PubMed 31236806 (cited by Women's Health and Genetics/Laboratory Corporation of America, LabCorp and Labcorp Genetics (formerly Invitae), Labcorp).